The following is an entry in ClinVar:

ClinVar aggregate classification (germline): Uncertain significance (1 of 4 stars; one submission).

Conditions:
Landau-Kleffner syndrome (FESD). Also called: EPILEPSY, FOCAL, WITH SPEECH DISORDER AND WITH OR WITHOUT MENTAL RETARDATION; APHASIA, ACQUIRED, WITH EPILEPSY. Identifiers: Orphanet 1945, Orphanet 725, Orphanet 98818, MedGen C0282512, MONDO:0009509, OMIM 245570.

Submission:

Labcorp Genetics (formerly Invitae), Labcorp
Classification: Uncertain significance for Landau-Kleffner syndrome. Last evaluated: 2023-11-07. Review status: criteria provided, single submitter. Criteria: Invitae Variant Classification Sherloc (09022015). Collection method: clinical testing. Allele origin: unknown.
Comment: This variant results in a copy number gain of the genomic region encompassing exon(s) 13-14 of the GRIN2A gene. This region includes the termination codon of the gene. This copy number gain extends beyond the assayed region for this gene and therefore may encompass additional genes. As the precise location of this event is unknown, it may be in tandem or it may be located elsewhere in the genome. This variant has not been reported in the literature in individuals affected with GRIN2A-related conditions. In summary, the available evidence is currently insufficient to determine the role of this variant in disease. Therefore, it has been classified as a Variant of Uncertain Significance.

NC_000016.9:g.(?_9857006)_(9862966_?)dup

Gene: GRIN2A (glutamate ionotropic receptor NMDA type subunit 2A; minus strand). Cytogenetic location: 16p13.2.
Variant type: Duplication.
Identifiers: ClinVar variation 3243414 (VCV003243414.1).